The following is an entry in ClinVar:

NM_000834.5(GRIN2B):c.4021G>A (p.Glu1341Lys)

Gene: GRIN2B (glutamate ionotropic receptor NMDA type subunit 2B; minus strand). Cytogenetic location: 12p13.1.
Variant type: single nucleotide variant.
Coding change: c.4021G>A on transcript NM_000834.5 (MANE Select); coding-DNA position 4021, G replaced by A.
Protein change: p.Glu1341Lys; replaces glutamic acid 1341 with lysine.
Molecular consequence: missense variant.
Genome position (GRCh38, 1-based): chr12:13,563,217, C>T on the plus strand (G>A on the coding strand, the complement: GRIN2B is on the minus strand). VCF-style: chr12-13563217-C-T. GRCh37 (hg19) VCF-style: chr12-13716151-C-T.
Other names: c.4021G>A, p.Glu1341Lys (NM_001413992.1); short protein forms E1341K.
Identifiers: ClinVar variation 2928950 (VCV002928950.3), dbSNP rs371762359, ClinGen allele CA6460801.

ClinVar aggregate classification (germline): Uncertain significance (1 of 4 stars; one submission).

Conditions:
Intellectual developmental disorder, autosomal dominant 6, with or without seizures. Also called: GRIN2B-related developmental delay, intellectual disability and autism spectrum disorder; Intellectual disability, autosomal dominant 6. Identifiers: Orphanet 589547, MedGen C3151411, MONDO:0013509, OMIM 613970.
Developmental and epileptic encephalopathy, 27 (DEE27). Also called: Epileptic encephalopathy, early infantile, 27; GRIN2B-Related Neurodevelopmental Disorder. Identifiers: Orphanet 3451, MedGen C4015316, MONDO:0014505, OMIM 616139.

Allele frequency attached by ClinVar (database versions not stated): TOPMed below 0.00001; ExAC 0.00001; gnomAD 0.00001; ESP Exome Variant Server 0.00008.
gnomAD v4.1: 1 of 1,614,108 alleles (0.000062%); highest among the groups gnomAD compares: African/African-American, 0.0013%; no homozygotes.

Submission:

Labcorp Genetics (formerly Invitae), Labcorp
Classification: Uncertain significance for Developmental and epileptic encephalopathy, 27; Intellectual developmental disorder, autosomal dominant 6, with or without seizures. Last evaluated: 2023-06-05. Review status: criteria provided, single submitter. Criteria: Invitae Variant Classification Sherloc (09022015). Collection method: clinical testing. Allele origin: germline.
Comment: In summary, the available evidence is currently insufficient to determine the role of this variant in disease. Therefore, it has been classified as a Variant of Uncertain Significance. This variant is present in population databases (rs371762359, gnomAD 0.007%). This variant has not been reported in the literature in individuals affected with GRIN2B-related conditions. Advanced modeling of protein sequence and biophysical properties (such as structural, functional, and spatial information, amino acid conservation, physicochemical variation, residue mobility, and thermodynamic stability) performed at Invitae indicates that this missense variant is not expected to disrupt GRIN2B protein function. This sequence change replaces glutamic acid, which is acidic and polar, with lysine, which is basic and polar, at codon 1341 of the GRIN2B protein (p.Glu1341Lys).